The following is an entry in ClinVar:

ClinVar aggregate classification (germline): Uncertain significance (1 of 4 stars; one submission).

Submission:

Labcorp Genetics (formerly Invitae), Labcorp
Classification: Uncertain significance. Last evaluated: 2025-02-13. Review status: criteria provided, single submitter. Criteria: Invitae Variant Classification Sherloc (09022015). Collection method: clinical testing. Allele origin: germline.
Comment: This sequence change replaces histidine, which is basic and polar, with arginine, which is basic and polar, at codon 280 of the DDX58 protein (p.His280Arg). This variant is not present in population databases (gnomAD no frequency). This variant has not been reported in the literature in individuals affected with DDX58-related conditions. Invitae Evidence Modeling of protein sequence and biophysical properties (such as structural, functional, and spatial information, amino acid conservation, physicochemical variation, residue mobility, and thermodynamic stability) indicates that this missense variant is not expected to disrupt DDX58 protein function with a negative predictive value of 80%. In summary, the available evidence is currently insufficient to determine the role of this variant in disease. Therefore, it has been classified as a Variant of Uncertain Significance.

NM_014314.4(RIGI):c.839A>G (p.His280Arg)

Gene: RIGI (RNA sensor RIG-I; minus strand). Cytogenetic location: 9p21.1.
Variant type: single nucleotide variant.
Coding change: c.839A>G on transcript NM_014314.4 (MANE Select); coding-DNA position 839, A replaced by G.
Protein change: p.His280Arg; replaces histidine 280 with arginine.
Molecular consequence: missense variant.
Genome position (GRCh38, 1-based): chr9:32,488,848, T>C on the plus strand (A>G on the coding strand, the complement: RIGI is on the minus strand). VCF-style: chr9-32488848-T-C. GRCh37 (hg19) VCF-style: chr9-32488846-T-C.
Other names: c.839A>G, p.His280Arg (NM_001385907.1, NM_001385909.1); c.398A>G, p.His133Arg (NM_001385910.1); c.230A>G, p.His77Arg (NM_001385912.1); c.824A>G, p.His275Arg (NM_001385913.1); c.395A>G, p.His132Arg (NM_001385914.1); short protein forms H133R, H275R, H132R, H77R, H280R.
Identifiers: ClinVar variation 4737008 (VCV004737008.1).
Genomic context (GRCh38, chr9:32,488,848, plus strand): 5'-ATCTGATTCGCAAAAAAGACAACTTTCCCCTTTTGTCCTTGTGGGAATTTTTTAAGATGA[T>C]GTTCACATATAAGCAGTGAAACAAAGGTTTTTCCACAACCTTTTAACATGTAAGGAAAAA-3'
Protein context (NP_055129.2, residues 270-290): KTFVSLLICE[His280Arg]HLKKFPQGQK